The following is an entry in ClinVar:

ClinVar aggregate classification (germline): Uncertain significance (1 of 4 stars; one submission).

Submission:

CeGaT Center for Human Genetics Tuebingen
Classification: Uncertain significance. Last evaluated: 2025-11-01. Review status: criteria provided, single submitter. Criteria: CeGaT Center For Human Genetics Tuebingen Variant Classification Criteria Version 2. Collection method: clinical testing. Allele origin: germline. Affected: yes. Observed: 2 variant alleles.
Comment: SKI: PM1, PM2, PP3

NM_003036.4(SKI):c.127G>A (p.Ala43Thr)

Gene: SKI (SKI proto-oncogene; plus strand). Cytogenetic location: 1p36.33.
Variant type: single nucleotide variant.
Coding change: c.127G>A on transcript NM_003036.4 (MANE Select); coding-DNA position 127, G replaced by A.
Protein change: p.Ala43Thr; replaces alanine 43 with threonine.
Molecular consequence: missense variant.
Genome position (GRCh38, 1-based): chr1:2,228,893, G>A. VCF-style: chr1-2228893-G-A. GRCh37 (hg19) VCF-style: chr1-2160332-G-A.
Other names: short protein forms A43T.
Identifiers: ClinVar variation 4281431 (VCV004281431.7).
Genomic context (GRCh38, chr1:2,228,893, plus strand): 5'-CAGTTCCACCTGAGCTCCATGAGCTCGCTGGGCGGCCCGGCCGCTTTCTCGGCGCGCTGG[G>A]CGCAGGAGGCCTACAAGAAGGAGAGCGCCAAGGAGGCGGGCGCGGCCGCGGTGCCGGCGC-3'
Protein context (NP_003027.1, residues 33-53): GGPAAFSARW[Ala43Thr]QEAYKKESAK